The following is an entry in ClinVar:

ClinVar aggregate classification (germline): Pathogenic (1 of 4 stars; one submission).

Conditions:
Neurofibromatosis, type 1 (NF1). Also called: VON RECKLINGHAUSEN DISEASE; Neurofibromatosis, type I; Peripheral type neurofibromatosis; NEUROFIBROMATOSIS, TYPE I, SOMATIC. Identifiers: Orphanet 636, MedGen C0027831, MONDO:0018975, OMIM 162200. Disease mechanism: loss of function.

Submission:

Labcorp Genetics (formerly Invitae), Labcorp
Classification: Pathogenic for Neurofibromatosis, type 1. Last evaluated: 2024-01-12. Review status: criteria provided, single submitter. Criteria: Invitae Variant Classification Sherloc (09022015). Collection method: clinical testing. Allele origin: unknown.
Comment: This variant is a gross deletion of the genomic region encompassing exon(s) 39-44 of the NF1 gene. This deletion is out-of-frame, and is expected to create a premature termination codon and result in an absent or disrupted protein product. Loss-of-function variants in NF1 are known to be pathogenic (PMID: 10712197, 23913538). This variant has not been reported in the literature in individuals affected with NF1-related conditions. For these reasons, this variant has been classified as Pathogenic.

Literature cited by the submitters: PubMed 10712197; PubMed 23913538.

NC_000017.10:g.(?_29661836)_(29665177_?)del

Gene: NF1 (neurofibromin 1; plus strand). Cytogenetic location: 17q11.2.
Variant type: Deletion.
Identifiers: ClinVar variation 3242872 (VCV003242872.1).